The following is an entry in ClinVar:

ClinVar aggregate classification (germline): Uncertain significance (1 of 4 stars; one submission).

Conditions:
Mowat-Wilson syndrome (MOWS). Also called: Classic Mowat-Wilson Syndrome. Identifiers: Orphanet 2152, MedGen C1856113, MONDO:0009341, OMIM 235730.

Allele frequency attached by ClinVar (database versions not stated): gnomAD exomes below 0.00001.

Submission:

Labcorp Genetics (formerly Invitae), Labcorp
Classification: Uncertain significance for Mowat-Wilson syndrome. Last evaluated: 2023-10-03. Review status: criteria provided, single submitter. Criteria: Invitae Variant Classification Sherloc (09022015). Collection method: clinical testing. Allele origin: germline.
Comment: This sequence change replaces tyrosine, which is neutral and polar, with cysteine, which is neutral and slightly polar, at codon 248 of the ZEB2 protein (p.Tyr248Cys). This variant is not present in population databases (gnomAD no frequency). This variant has not been reported in the literature in individuals affected with ZEB2-related conditions. Advanced modeling of protein sequence and biophysical properties (such as structural, functional, and spatial information, amino acid conservation, physicochemical variation, residue mobility, and thermodynamic stability) performed at Invitae indicates that this missense variant is expected to disrupt ZEB2 protein function. In summary, the available evidence is currently insufficient to determine the role of this variant in disease. Therefore, it has been classified as a Variant of Uncertain Significance.

NM_014795.4(ZEB2):c.743A>G (p.Tyr248Cys)

Gene: ZEB2 (zinc finger E-box binding homeobox 2; minus strand). Cytogenetic location: 2q22.3.
Variant type: single nucleotide variant.
Coding change: c.743A>G on transcript NM_014795.4 (MANE Select); coding-DNA position 743, A replaced by G.
Protein change: p.Tyr248Cys; replaces tyrosine 248 with cysteine.
Molecular consequence: missense variant.
Genome position (GRCh38, 1-based): chr2:144,403,980, T>C on the plus strand (A>G on the coding strand, the complement: ZEB2 is on the minus strand). VCF-style: chr2-144403980-T-C. GRCh37 (hg19) VCF-style: chr2-145161547-T-C.
Other names: c.671A>G, p.Tyr224Cys (NM_001171653.2); short protein forms Y248C, Y224C.
Identifiers: ClinVar variation 2713662 (VCV002713662.3), dbSNP rs2549109305, ClinGen allele CA348714691.